The following is an entry in ClinVar:

NM_032043.3(BRIP1):c.1252G>T (p.Ala418Ser)

Gene: BRIP1 (BRCA1 interacting DNA helicase 1; minus strand). Cytogenetic location: 17q23.2.
Variant type: single nucleotide variant.
Coding change: c.1252G>T on transcript NM_032043.3 (MANE Select); coding-DNA position 1252, G replaced by T.
Protein change: p.Ala418Ser; replaces alanine 418 with serine.
Molecular consequence: missense variant.
Genome position (GRCh38, 1-based): chr17:61,799,188, C>A on the plus strand (G>T on the coding strand, the complement: BRIP1 is on the minus strand). VCF-style: chr17-61799188-C-A. GRCh37 (hg19) VCF-style: chr17-59876549-C-A.
Other names: short protein forms A418S.
Identifiers: ClinVar variation 566370 (VCV000566370.9), dbSNP rs1567829310, ClinGen allele CA400483597.

ClinVar aggregate classification (germline): Uncertain significance (1 of 4 stars; one submission).

Conditions:
Fanconi anemia complementation group J. Also called: BRIP1-Related Fanconi Anemia. Identifiers: Orphanet 84, MedGen C1836860, MONDO:0012187, OMIM 609054.
Familial cancer of breast. Also called: Hereditary breast cancer; BREAST CANCER, FAMILIAL; hereditary breast carcinoma. Identifiers: Orphanet 227535, MedGen C0346153, MONDO:0016419, OMIM 114480. Disease mechanism: loss of function.

Submission:

Labcorp Genetics (formerly Invitae), Labcorp
Classification: Uncertain significance for Familial cancer of breast; Fanconi anemia complementation group J. Last evaluated: 2018-05-07. Review status: criteria provided, single submitter. Criteria: Invitae Variant Classification Sherloc (09022015). Collection method: clinical testing. Allele origin: germline.
Comment: In summary, the available evidence is currently insufficient to determine the role of this variant in disease. Therefore, it has been classified as a Variant of Uncertain Significance. Algorithms developed to predict the effect of missense changes on protein structure and function do not agree on the potential impact of this missense change (SIFT: "Tolerated"; PolyPhen-2: "Possibly Damaging"; Align-GVGD: "Class C0"). This variant has not been reported in the literature in individuals with BRIP1-related disease. This variant is not present in population databases (ExAC no frequency). This sequence change replaces alanine with serine at codon 418 of the BRIP1 protein (p.Ala418Ser). The alanine residue is moderately conserved and there is a moderate physicochemical difference between alanine and serine.